The following is an entry in ClinVar:

ClinVar aggregate classification (germline): Uncertain significance. Review status: criteria provided, multiple submitters, no conflicts (2 of 4 stars). 2 submissions from 2 submitters: Uncertain significance (2). Last evaluated 2025-10-14.

Conditions:
Colorectal cancer, hereditary nonpolyposis, type 7. Identifiers: Orphanet 144, MedGen C1858380, MONDO:0013725, OMIM 614385.

gnomAD v4.1: 1 of 1,613,052 alleles (0.000062%); highest among the groups gnomAD compares: Non-Finnish European, 0.000085%; no homozygotes.

Submissions (2):

Ambry Genetics
Classification: Uncertain significance. Last evaluated: 2025-10-14. Review status: criteria provided, single submitter. Criteria: Ambry Variant Classification Scheme 2023. Collection method: clinical testing. Allele origin: germline.
Comment: The p.Q1247R variant (also known as c.3740A>G), located in coding exon 7 of the MLH3 gene, results from an A to G substitution at nucleotide position 3740. The glutamine at codon 1247 is replaced by arginine, an amino acid with highly similar properties. This amino acid position is not well conserved in available vertebrate species. In addition, this alteration is predicted to be tolerated by in silico analysis. The evidence for this gene-disease relationship is limited; therefore, the clinical significance of this alteration is unclear.

Labcorp Genetics (formerly Invitae), Labcorp
Classification: Uncertain significance for Colorectal cancer, hereditary nonpolyposis, type 7. Last evaluated: 2024-12-02. Review status: criteria provided, single submitter. Criteria: Invitae Variant Classification Sherloc (09022015). Collection method: clinical testing. Allele origin: germline.
Comment: This sequence change replaces glutamine, which is neutral and polar, with arginine, which is basic and polar, at codon 1247 of the MLH3 protein (p.Gln1247Arg). This variant is present in population databases (no rsID available, gnomAD 0.0009%). This variant has not been reported in the literature in individuals affected with MLH3-related conditions. ClinVar contains an entry for this variant (Variation ID: 2623694). An algorithm developed to predict the effect of missense changes on protein structure and function (PolyPhen-2) suggests that this variant is likely to be tolerated. In summary, the available evidence is currently insufficient to determine the role of this variant in disease. Therefore, it has been classified as a Variant of Uncertain Significance.

NM_001040108.2(MLH3):c.3740A>G (p.Gln1247Arg)

Gene: MLH3 (mutL homolog 3; minus strand). Cytogenetic location: 14q24.3.
Variant type: single nucleotide variant.
Coding change: c.3740A>G on transcript NM_001040108.2 (MANE Select); coding-DNA position 3740, A replaced by G.
Protein change: p.Gln1247Arg; replaces glutamine 1247 with arginine.
Molecular consequence: missense variant.
Genome position (GRCh38, 1-based): chr14:75,032,155, T>C on the plus strand (A>G on the coding strand, the complement: MLH3 is on the minus strand). VCF-style: chr14-75032155-T-C. GRCh37 (hg19) VCF-style: chr14-75498858-T-C.
Other names: c.3668A>G, p.Gln1223Arg (NM_014381.3); short protein forms Q1223R, Q1247R.
Identifiers: ClinVar variation 2623694 (VCV002623694.5), dbSNP rs909033868, ClinGen allele CA390424998.